The following is an entry in ClinVar:

ClinVar aggregate classification (germline): Uncertain significance (1 of 4 stars; one submission).

Conditions:
Developmental and epileptic encephalopathy, 1 (DEE1). Also called: X-linked infantile spasms; West's syndrome; Tonic spasms with clustering, arrest of psychomotor development and hypsarrhythmia on EEG; X-Linked Infantile Spasm Syndrome; OHTAHARA SYNDROME, X-LINKED; INFANTILE SPASM SYNDROME, X-LINKED 1. Identifiers: MedGen C3463992, MONDO:0010632, OMIM 308350. Disease mechanism: loss of function.
Autosomal dominant nonsyndromic hearing loss 65. Also called: Deafness, autosomal dominant 65; TBC1D24-Related Autosomal Dominant Nonsyndromic Hearing Loss (DFNA). Identifiers: Orphanet 90635, MedGen C3892048, MONDO:0014470, OMIM 616044.

Submission:

Labcorp Genetics (formerly Invitae), Labcorp
Classification: Uncertain significance for Developmental and epileptic encephalopathy, 1; Autosomal dominant nonsyndromic hearing loss 65. Last evaluated: 2022-03-14. Review status: criteria provided, single submitter. Criteria: Invitae Variant Classification Sherloc (09022015). Collection method: clinical testing. Allele origin: germline.
Comment: This variant has not been reported in the literature in individuals affected with TBC1D24-related conditions. This variant is not present in population databases (gnomAD no frequency). This sequence change replaces leucine, which is neutral and non-polar, with phenylalanine, which is neutral and non-polar, at codon 118 of the TBC1D24 protein (p.Leu118Phe). Advanced modeling of protein sequence and biophysical properties (such as structural, functional, and spatial information, amino acid conservation, physicochemical variation, residue mobility, and thermodynamic stability) performed at Invitae indicates that this missense variant is expected to disrupt TBC1D24 protein function. In summary, the available evidence is currently insufficient to determine the role of this variant in disease. Therefore, it has been classified as a Variant of Uncertain Significance.

NM_001199107.2(TBC1D24):c.352C>T (p.Leu118Phe)

Gene: TBC1D24 (TBC1 domain family member 24; plus strand). Cytogenetic location: 16p13.3.
Variant type: single nucleotide variant.
Coding change: c.352C>T on transcript NM_001199107.2 (MANE Select); coding-DNA position 352, C replaced by T.
Protein change: p.Leu118Phe; replaces leucine 118 with phenylalanine.
Molecular consequence: missense variant.
Genome position (GRCh38, 1-based): chr16:2,496,500, C>T. VCF-style: chr16-2496500-C-T. GRCh37 (hg19) VCF-style: chr16-2546501-C-T.
Other names: c.352C>T, p.Leu118Phe (NM_020705.3); short protein forms L118F.
Identifiers: ClinVar variation 2111807 (VCV002111807.4), dbSNP rs764435825, ClinGen allele CA394375630.
Genomic context (GRCh38, chr16:2,496,500, plus strand): 5'-AACACGCAGGTGCCCAGCTACTGCCTGAATGCACGCGGCGAGGGGGCCGTGCGCAAGATC[C>T]TCCTGTGCCTGGCCAACCAGTTCCCCGACATCTCCTTCTGCCCCGCCCTGCCGGCCGTGG-3'
Protein context (NP_001186036.1, residues 108-128): ARGEGAVRKI[Leu118Phe]LCLANQFPDI